The following is an entry in ClinVar:

NM_004329.3(BMPR1A):c.104T>C (p.Met35Thr)

Gene: BMPR1A (bone morphogenetic protein receptor type 1A; plus strand). Cytogenetic location: 10q23.2.
Variant type: single nucleotide variant.
Coding change: c.104T>C on transcript NM_004329.3 (MANE Select); coding-DNA position 104, T replaced by C.
Protein change: p.Met35Thr; replaces methionine 35 with threonine.
Molecular consequence: missense variant.
Genome position (GRCh38, 1-based): chr10:86,890,098, T>C. VCF-style: chr10-86890098-T-C. GRCh37 (hg19) VCF-style: chr10-88649855-T-C.
Other names: short protein forms M35T.
Identifiers: ClinVar variation 1348827 (VCV001348827.8), dbSNP rs2133394661, ClinGen allele CA377446390.

ClinVar aggregate classification (germline): Uncertain significance (1 of 4 stars; one submission).

Conditions:
Juvenile polyposis syndrome (JPS). Identifiers: Orphanet 2929, MedGen C0345893, MONDO:0017380, OMIM 174900.

Submission:

Labcorp Genetics (formerly Invitae), Labcorp
Classification: Uncertain significance for Juvenile polyposis syndrome. Last evaluated: 2021-06-03. Review status: criteria provided, single submitter. Criteria: Invitae Variant Classification Sherloc (09022015). Collection method: clinical testing. Allele origin: germline.
Comment: This variant is not present in population databases (ExAC no frequency). In summary, the available evidence is currently insufficient to determine the role of this variant in disease. Therefore, it has been classified as a Variant of Uncertain Significance. Advanced modeling of protein sequence and biophysical properties (such as structural, functional, and spatial information, amino acid conservation, physicochemical variation, residue mobility, and thermodynamic stability) performed at Invitae indicates that this missense variant is not expected to disrupt BMPR1A protein function. This variant has not been reported in the literature in individuals with BMPR1A-related conditions. This sequence change replaces methionine with threonine at codon 35 of the BMPR1A protein (p.Met35Thr). The methionine residue is moderately conserved and there is a moderate physicochemical difference between methionine and threonine.